The following is an entry in ClinVar:

NM_007126.5(VCP):c.453T>G (p.Ile151Met)

Gene: VCP (valosin containing protein; minus strand). Cytogenetic location: 9p13.3.
Variant type: single nucleotide variant.
Coding change: c.453T>G on transcript NM_007126.5 (MANE Select); coding-DNA position 453, T replaced by G.
Protein change: p.Ile151Met; replaces isoleucine 151 with methionine.
Molecular consequence: missense variant.
Genome position (GRCh38, 1-based): chr9:35,065,374, A>C on the plus strand (T>G on the coding strand, the complement: VCP is on the minus strand). VCF-style: chr9-35065374-A-C. GRCh37 (hg19) VCF-style: chr9-35065371-A-C.
Other names: c.318T>G, p.Ile106Met (NM_001354927.2, NM_001354928.2); short protein forms I151M, I106M.
Identifiers: ClinVar variation 942825 (VCV000942825.8), dbSNP rs1828808459, ClinGen allele CA373289743.

ClinVar aggregate classification (germline): Uncertain significance (1 of 4 stars; one submission).

Conditions:
Frontotemporal dementia and/or amyotrophic lateral sclerosis 6 (FTDALS6). Also called: VCP-Related Amyotrophic Lateral Sclerosis/Frontotemporal Dementia; VCP-Related Amyotrophic Lateral Sclerosis. Identifiers: Orphanet 275872, Orphanet 803, MedGen C5436279, MONDO:0013501, OMIM 613954.
Inclusion body myopathy with Paget disease of bone and frontotemporal dementia. Also called: Inclusion body myopathy with early-onset Paget disease and frontotemporal dementia. Identifiers: Orphanet 52430, MedGen C1833662, MONDO:0000507.

Submission:

Labcorp Genetics (formerly Invitae), Labcorp
Classification: Uncertain significance for Inclusion body myopathy with Paget disease of bone and frontotemporal dementia; Frontotemporal dementia and/or amyotrophic lateral sclerosis 6. Last evaluated: 2019-07-24. Review status: criteria provided, single submitter. Criteria: Invitae Variant Classification Sherloc (09022015). Collection method: clinical testing. Allele origin: germline.
Comment: This variant is not present in population databases (ExAC no frequency). In summary, the available evidence is currently insufficient to determine the role of this variant in disease. Therefore, it has been classified as a Variant of Uncertain Significance. Algorithms developed to predict the effect of missense changes on protein structure and function (SIFT, PolyPhen-2, Align-GVGD) all suggest that this variant is likely to be tolerated, but these predictions have not been confirmed by published functional studies and their clinical significance is uncertain. This variant has not been reported in the literature in individuals with VCP-related conditions. This sequence change replaces isoleucine with methionine at codon 151 of the VCP protein (p.Ile151Met). The isoleucine residue is moderately conserved and there is a small physicochemical difference between isoleucine and methionine.